The following is an entry in ClinVar:

ClinVar aggregate classification (germline): Pathogenic (1 of 4 stars; one submission).

Submission:

Labcorp Genetics (formerly Invitae), Labcorp
Classification: Pathogenic. Last evaluated: 2022-02-25. Review status: criteria provided, single submitter. Criteria: Invitae Variant Classification Sherloc (09022015). Collection method: clinical testing. Allele origin: germline.
Comment: For these reasons, this variant has been classified as Pathogenic. This sequence change creates a premature translational stop signal (p.Glu1066Lysfs*16) in the SLC12A6 gene. It is expected to result in an absent or disrupted protein product. Loss-of-function variants in SLC12A6 are known to be pathogenic (PMID: 12368912, 16606917). This variant is not present in population databases (gnomAD no frequency). This variant has not been reported in the literature in individuals affected with SLC12A6-related conditions.

Literature cited by the submitters: PubMed 12368912; PubMed 16606917.

NM_001365088.1(SLC12A6):c.3196del (p.Glu1066fs)

Gene: SLC12A6 (solute carrier family 12 member 6; minus strand). Cytogenetic location: 15q14.
Variant type: Deletion.
Coding change: c.3196del on transcript NM_001365088.1 (MANE Select); coding-DNA position 3196, one base deleted (G; older notation c.3196delG).
Protein change: p.Glu1066fs; shifts the reading frame from glutamic acid 1066.
Molecular consequence: frameshift variant.
Genome position (GRCh38, 1-based): chr15:34,236,046, C deleted on the plus strand (G on the coding strand, the reverse complement: SLC12A6 is on the minus strand); the first of 2 consecutive C bases (chr15:34,236,046-34,236,047); deleting either gives the same sequence. VCF-style (leftmost placement, unchanged base first): chr15-34236045-TC-T. GRCh37 (hg19) VCF-style: chr15-34528246-TC-T.
Other names: c.3019del, p.Glu1007fs (NM_001042494.2, NM_001042495.2); c.3169del, p.Glu1057fs (NM_001042496.2); c.3151del, p.Glu1051fs (NM_001042497.2); c.3043del, p.Glu1015fs (NM_005135.2); c.3196del, p.Glu1066fs (NM_133647.2); short protein forms E1066fs, E1007fs, E1057fs, E1015fs, E1051fs.
Identifiers: ClinVar variation 2103369 (VCV002103369.4), dbSNP rs2509743068, ClinGen allele CA2580089259.